The following is an entry in ClinVar:

ClinVar aggregate classification (germline): Uncertain significance (1 of 4 stars; one submission).

Submission:

GeneDx
Classification: Uncertain significance. Last evaluated: 2024-09-23. Review status: criteria provided, single submitter. Criteria: GeneDx Variant Classification Process June 2021. Collection method: clinical testing. Allele origin: germline. Affected: yes.
Comment: Not observed at significant frequency in large population cohorts (gnomAD); In silico analysis supports that this missense variant has a deleterious effect on protein structure/function; Has not been previously published as pathogenic or benign to our knowledge

NM_001348323.3(TRIP12):c.1090C>G (p.Arg364Gly)

Gene: TRIP12 (thyroid hormone receptor interactor 12; minus strand). Cytogenetic location: 2q36.3.
Variant type: single nucleotide variant.
Coding change: c.1090C>G on transcript NM_001348323.3 (MANE Select); coding-DNA position 1090, C replaced by G.
Protein change: p.Arg364Gly; replaces arginine 364 with glycine.
Molecular consequence: missense variant. On other transcripts: intron variant (1).
Genome position (GRCh38, 1-based): chr2:229,840,865, G>C on the plus strand (C>G on the coding strand, the complement: TRIP12 is on the minus strand). VCF-style: chr2-229840865-G-C. GRCh37 (hg19) VCF-style: chr2-230705581-G-C.
Other names: c.1090C>G, p.Arg364Gly (NM_001348326.2, NM_001348327.2, NM_001348328.1 and 13 more transcripts); c.964C>G, p.Arg322Gly (NM_001284215.2, NM_001348316.2, NM_001348317.1 and 3 more transcripts); c.1003C>G, p.Arg335Gly (NM_001348332.1, NM_001348334.1); c.99-3881C>G (NM_001284216.2); short protein forms R322G, R335G, R364G.
Identifiers: ClinVar variation 3774646 (VCV003774646.1).
Genomic context (GRCh38, chr2:229,840,865, plus strand): 5'-AAAAAAAAACAAATTACCTGGTACTAGCACAGGAGCCCGTGGTCTTTTGGCGTGTGCTCC[G>C]CCTCAAACTGGGGAGCTCAGCAGGTGGAGACTCACTGCGTTTCTTCGTAGATTTTCTTAA-3'
Protein context (NP_001335252.1, residues 354-374): SPPAELPSLR[Arg364Gly]STRQKTTGSC